The following is an entry in ClinVar:

NM_001291088.2(WDR87):c.3067C>T (p.His1023Tyr)

Gene: WDR87 (WD repeat domain 87; minus strand). Cytogenetic location: 19q13.13.
Variant type: single nucleotide variant.
Coding change: c.3067C>T on transcript NM_001291088.2 (MANE Select); coding-DNA position 3067, C replaced by T.
Protein change: p.His1023Tyr; replaces histidine 1023 with tyrosine.
Molecular consequence: missense variant.
Genome position (GRCh38, 1-based): chr19:37,892,636, G>A on the plus strand (C>T on the coding strand, the complement: WDR87 is on the minus strand). VCF-style: chr19-37892636-G-A. GRCh37 (hg19) VCF-style: chr19-38383276-G-A.
Other names: c.2950C>T, p.His984Tyr (NM_031951.5); short protein forms H984Y, H1023Y.
Identifiers: ClinVar variation 3713598 (VCV003713598.2).

ClinVar aggregate classification (germline): Uncertain significance (1 of 4 stars; one submission).

gnomAD v4.1: 10 of 1,546,258 alleles (0.00065%); highest among the groups gnomAD compares: Admixed American, 0.016%; no homozygotes.

Submission:

Labcorp Genetics (formerly Invitae), Labcorp
Classification: Uncertain significance. Last evaluated: 2024-10-17. Review status: criteria provided, single submitter. Criteria: Invitae Variant Classification Sherloc (09022015). Collection method: clinical testing. Allele origin: germline.
Comment: This sequence change replaces histidine, which is basic and polar, with tyrosine, which is neutral and polar, at codon 984 of the WDR87 protein (p.His984Tyr). This variant is present in population databases (rs750217009, gnomAD 0.02%). This variant has not been reported in the literature in individuals affected with WDR87-related conditions. An algorithm developed to predict the effect of missense changes on protein structure and function (PolyPhen-2) suggests that this variant is likely to be disruptive. In summary, the available evidence is currently insufficient to determine the role of this variant in disease. Therefore, it has been classified as a Variant of Uncertain Significance.